The following is an entry in ClinVar:

NM_000063.6(C2):c.2156G>A (p.Arg719His)

Gene: C2 (complement C2; plus strand). Cytogenetic location: 6p21.33.
Variant type: single nucleotide variant.
Coding change: c.2156G>A on transcript NM_000063.6 (MANE Select); coding-DNA position 2156, G replaced by A.
Protein change: p.Arg719His; replaces arginine 719 with histidine.
Molecular consequence: missense variant.
Genome position (GRCh38, 1-based): chr6:31,945,254, G>A. VCF-style: chr6-31945254-G-A. GRCh37 (hg19) VCF-style: chr6-31913031-G-A.
Other names: c.1760G>A, p.Arg587His (NM_001145903.3); c.1514G>A, p.Arg505His (NM_001178063.3); c.1418G>A, p.Arg473His (NM_001282457.2); c.2069G>A, p.Arg690His (NM_001282458.2); short protein forms R473H, R690H, R505H, R587H, R719H.
Identifiers: ClinVar variation 2600823 (VCV002600823.5), dbSNP rs1283173955, ClinGen allele CA363385215.

ClinVar aggregate classification (germline): Conflicting classifications of pathogenicity. Review status: criteria provided, conflicting classifications (1 of 4 stars). 2 submissions from 2 submitters: Uncertain significance (1); Likely benign (1). Last evaluated 2023-06-29.

Allele frequency attached by ClinVar (database versions not stated): gnomAD exomes below 0.00001; TOPMed below 0.00001.
gnomAD v4.1: 6 of 1,612,902 alleles (0.00037%); highest among the groups gnomAD compares: South Asian, 0.0011%; no homozygotes.

Submissions (2):

Ambry Genetics
Classification: Likely benign. Last evaluated: 2023-06-29. Review status: criteria provided, single submitter. Criteria: Ambry Variant Classification Scheme 2023. Collection method: clinical testing. Allele origin: germline.

Labcorp Genetics (formerly Invitae), Labcorp
Classification: Uncertain significance. Last evaluated: 2023-06-25. Review status: criteria provided, single submitter. Criteria: Invitae Variant Classification Sherloc (09022015). Collection method: clinical testing. Allele origin: germline.
Comment: This sequence change replaces arginine, which is basic and polar, with histidine, which is basic and polar, at codon 719 of the C2 protein (p.Arg719His). This variant is present in population databases (no rsID available, gnomAD 0.003%). This variant has not been reported in the literature in individuals affected with C2-related conditions. Advanced modeling of protein sequence and biophysical properties (such as structural, functional, and spatial information, amino acid conservation, physicochemical variation, residue mobility, and thermodynamic stability) performed at Invitae indicates that this missense variant is not expected to disrupt C2 protein function. In summary, the available evidence is currently insufficient to determine the role of this variant in disease. Therefore, it has been classified as a Variant of Uncertain Significance.